The following is an entry in ClinVar:

ClinVar aggregate classification (germline): Conflicting classifications of pathogenicity. Review status: criteria provided, conflicting classifications (1 of 4 stars). 5 submissions from 5 submitters: Uncertain significance (1); Likely benign (4). Last evaluated 2025-02-09.

Conditions:
Hereditary breast ovarian cancer syndrome. Also called: BRCA1- and BRCA2-Associated Hereditary Breast and Ovarian Cancer; Hereditary breast and ovarian cancer syndrome (HBOC); Hereditary breast and ovarian cancer syndrome; Breast and ovarian cancer; Hereditary breast and ovarian cancer; Hereditary breast and/or ovarian cancer syndrome. Identifiers: Orphanet 145, MedGen C0677776, MeSH D061325, MONDO:0003582. Disease mechanism: loss of function.
Hereditary cancer-predisposing syndrome. Also called: Hereditary Cancer Syndrome; Hereditary neoplastic syndrome; Neoplastic Syndromes, Hereditary; Tumor predisposition. Identifiers: Orphanet 140162, MedGen C0027672, MeSH D009386, MONDO:0015356.
Breast-ovarian cancer, familial, susceptibility to, 1 (BROVCA1). Also called: OVARIAN CANCER, SUSCEPTIBILITY TO; BRCA1 Hereditary Breast and Ovarian Cancer. Identifiers: Orphanet 145, MedGen C2676676, MONDO:0011450, OMIM 604370. Disease mechanism: loss of function.

gnomAD v4.1: 11 of 1,614,086 alleles (0.00068%); highest among the groups gnomAD compares: Non-Finnish European, 0.00085%; no homozygotes.

Submissions (6):

Labcorp Genetics (formerly Invitae), Labcorp
Classification: Likely benign for Hereditary breast ovarian cancer syndrome. Last evaluated: 2025-02-09. Review status: criteria provided, single submitter. Criteria: Invitae Variant Classification Sherloc (09022015). Collection method: clinical testing. Allele origin: germline.

All of Us Research Program, National Institutes of Health
Classification: Likely benign for Breast-ovarian cancer, familial, susceptibility to, 1. Last evaluated: 2023-02-24. Review status: criteria provided, single submitter. Criteria: ACMG Guidelines, 2015. Collection method: clinical testing. Allele origin: germline. Inheritance: Autosomal dominant inheritance. Observed: 1 variant allele, 1 heterozygote.
Comment: This study involves interpretation of variants in research participants for the purpose of population health screening. Participant phenotype was not available at the time of variant classification. Additional details can be found in publication PMID: 35346344, PMCID: PMC8962531

Color Diagnostics, LLC DBA Color Health
Classification: Likely benign for Hereditary cancer-predisposing syndrome. Last evaluated: 2022-11-07. Review status: criteria provided, single submitter. Criteria: ACMG Guidelines, 2015. Collection method: clinical testing. Allele origin: germline.

Ambry Genetics
Classification: Likely benign for Hereditary cancer-predisposing syndrome. Last evaluated: 2019-06-24. Review status: criteria provided, single submitter. Criteria: Ambry Variant Classification Scheme 2023. Collection method: clinical testing. Allele origin: germline.

Quest Diagnostics Nichols Institute San Juan Capistrano
Classification: Uncertain significance. Last evaluated: 2019-04-24. Review status: criteria provided, single submitter. Criteria: Quest Diagnostics criteria. Collection method: clinical testing. Allele origin: germline.

Brotman Baty Institute, University of Washington
No classification provided (evidence only). Condition: Breast-ovarian cancer, familial 1. Review status: no classification provided. Collection method: in vitro. Allele origin: not applicable. Functional consequence: functionally_normal. Not counted in ClinVar's aggregate classification.
ClinVar note: "not provided" was previously submitted as the classification for the variant. However, the classification appeared to be based only on an observation of functional data so it was converted to no classification on 2025-07-30.

NM_007294.4(BRCA1):c.5382G>A (p.Glu1794=)

Gene: BRCA1 (BRCA1 DNA repair associated; minus strand). Cytogenetic location: 17q21.31.
Variant type: single nucleotide variant.
Coding change: c.5382G>A on transcript NM_007294.4 (MANE Select); coding-DNA position 5382, G replaced by A.
Protein change: p.Glu1794=; no amino-acid change (glutamic acid 1794 retained).
Molecular consequence: synonymous variant. On other transcripts: intron variant (19).
Genome position (GRCh38, 1-based): chr17:43,049,145, C>T on the plus strand (G>A on the coding strand, the complement: BRCA1 is on the minus strand). VCF-style: chr17-43049145-C-T. GRCh37 (hg19) VCF-style: chr17-41201162-C-T.
Other names: c.5115G>A, p.Glu1705= (NM_001407933.1, NM_001407927.1, NM_001407928.1 and 4 more transcripts); c.5112G>A, p.Glu1704= (NM_001407934.1, NM_001407935.1, NM_001407936.1); c.5049G>A, p.Glu1683= (NM_001407946.1, NM_001407947.1, NM_001407948.1 and 1 more transcripts); c.5046G>A, p.Glu1682= (NM_001407950.1, NM_001407951.1, NM_001407952.1 and 3 more transcripts); c.5043G>A, p.Glu1681= (NM_001407956.1, NM_001407957.1, NM_001407958.1); c.5001G>A, p.Glu1667= (NM_001407959.1); c.4998G>A, p.Glu1666= (NM_001407960.1, NM_001407962.1); c.4995G>A, p.Glu1665= (NM_001407963.1); and 84 more.
Identifiers: ClinVar variation 795118 (VCV000795118.21), dbSNP rs397509275, ClinGen allele CA500143292.